The following is an entry in ClinVar:

NM_004984.4(KIF5A):c.3020+42C>T

Gene: KIF5A (kinesin family member 5A; plus strand). Cytogenetic location: 12q13.3.
Variant type: single nucleotide variant.
Coding change: c.3020+42C>T on transcript NM_004984.4 (MANE Select); 42 bases into the intron after coding-DNA position 3020, C replaced by T.
Molecular consequence: intron variant.
Genome position (GRCh38, 1-based): chr12:57,582,671, C>T. VCF-style: chr12-57582671-C-T. GRCh37 (hg19) VCF-style: chr12-57976454-C-T.
Other names: c.2753+42C>T (NM_001354705.2).
Identifiers: ClinVar variation 2643141 (VCV002643141.24), dbSNP rs369261463, ClinGen allele CA6653296.

ClinVar aggregate classification (germline): Likely benign (1 of 4 stars; one submission).

Allele frequency attached by ClinVar (database versions not stated): ESP Exome Variant Server 0.00015; gnomAD exomes 0.00019; gnomAD 0.00021; TOPMed 0.00023; ExAC 0.00033.
gnomAD v4.1: 296 of 1,527,058 alleles (0.019%); highest among the groups gnomAD compares: Middle Eastern, 0.12%; 3 homozygotes.

Submission:

CeGaT Center for Human Genetics Tuebingen
Classification: Likely benign. Last evaluated: 2023-01-01. Review status: criteria provided, single submitter. Criteria: CeGaT Center For Human Genetics Tuebingen Variant Classification Criteria Version 2. Collection method: clinical testing. Allele origin: germline. Affected: yes. Observed: 2 variant alleles.
Comment: KIF5A: BS2